The following is an entry in ClinVar:

ClinVar aggregate classification (germline): Likely benign (1 of 4 stars; one submission).

gnomAD v4.1: 216 of 1,612,580 alleles (0.013%); highest among the groups gnomAD compares: East Asian, 0.21%; 1 homozygote.

Submission:

CeGaT Center for Human Genetics Tuebingen
Classification: Likely benign. Last evaluated: 2025-12-01. Review status: criteria provided, single submitter. Criteria: CeGaT Center For Human Genetics Tuebingen Variant Classification Criteria Version 2. Collection method: clinical testing. Allele origin: germline. Affected: yes. Observed: 1 variant allele.
Comment: MTSS2: BP4, BP7

NM_138383.3(MTSS2):c.567G>A (p.Ala189=)

Gene: MTSS2 (MTSS I-BAR domain containing 2; minus strand). Cytogenetic location: 16q22.1.
Variant type: single nucleotide variant.
Coding change: c.567G>A on transcript NM_138383.3 (MANE Select); coding-DNA position 567, G replaced by A.
Protein change: p.Ala189=; no amino-acid change (alanine 189 retained).
Molecular consequence: synonymous variant.
Genome position (GRCh38, 1-based): chr16:70,678,309, C>T on the plus strand (G>A on the coding strand, the complement: MTSS2 is on the minus strand). VCF-style: chr16-70678309-C-T. GRCh37 (hg19) VCF-style: chr16-70712212-C-T.
Identifiers: ClinVar variation 4681404 (VCV004681404.5).